The following is an entry in ClinVar:

NM_016139.4(CHCHD2):c.*45dup

Gene: CHCHD2 (coiled-coil-helix-coiled-coil-helix domain containing 2; minus strand). Cytogenetic location: 7p11.2.
Variant type: Duplication.
Coding change: c.*45dup on transcript NM_016139.4 (MANE Select); 45 bases downstream of the stop codon, one base duplicated (T; older notation c.*45dupT).
Molecular consequence: 3 prime UTR variant. On other transcripts: frameshift variant (1), stop lost (1).
Genome position (GRCh38, 1-based): chr7:56,101,806, A duplicated on the plus strand (T on the coding strand, the reverse complement: CHCHD2 is on the minus strand). VCF-style (leftmost placement, unchanged base first): chr7-56101805-T-TA. GRCh37 (hg19) VCF-style: chr7-56169498-T-TA.
Other names: c.505dup, p.Ter169LeuextTer? (NM_001320327.2); c.505dupT (NM_001320327.1).
Identifiers: ClinVar variation 1278162 (VCV001278162.3), dbSNP rs35957514, ClinGen allele CA4270458.

ClinVar aggregate classification (germline): Benign. Review status: criteria provided, single submitter (1 of 4 stars). 2 submissions from 2 submitters: Benign (1). 1 of the submissions does not count toward it. Last evaluated 2021-04-02.

Conditions:
CHCHD2-related disorder. Also called: CHCHD2-related condition.

Allele frequency attached by ClinVar (database versions not stated): ESP Exome Variant Server 0.00072; gnomAD exomes 0.00313 and 0.01405; gnomAD 0.00725 and 0.00742; 1000 Genomes Project 0.01038; ExAC 0.01076; 1000 Genomes Project 30x 0.01156; TOPMed 0.01316.

Submissions (2):

GeneDx
Classification: Benign. Last evaluated: 2021-04-02. Review status: criteria provided, single submitter. Criteria: GeneDx Variant Classification Process June 2021. Collection method: clinical testing. Allele origin: germline. Affected: yes.

PreventionGenetics, part of Exact Sciences
Classification: Likely benign for CHCHD2-related condition. Last evaluated: 2020-01-27. Review status: no assertion criteria provided. Collection method: clinical testing. Allele origin: germline. Not counted in ClinVar's aggregate classification.
Comment: This variant is classified as likely benign based on ACMG/AMP sequence variant interpretation guidelines (Richards et al. 2015 PMID: 25741868, with internal and published modifications).